The following is an entry in ClinVar:

NM_139027.6(ADAMTS13):c.3003G>A (p.Pro1001=)

Gene: ADAMTS13 (ADAM metallopeptidase with thrombospondin type 1 motif 13; plus strand). Cytogenetic location: 9q34.2.
Variant type: single nucleotide variant.
Coding change: c.3003G>A on transcript NM_139027.6 (MANE Select); coding-DNA position 3003, G replaced by A.
Protein change: p.Pro1001=; no amino-acid change (proline 1001 retained).
Molecular consequence: synonymous variant. On other transcripts: non-coding transcript variant (1).
Genome position (GRCh38, 1-based): chr9:133,449,924, G>A. VCF-style: chr9-133449924-G-A. GRCh37 (hg19) VCF-style: chr9-136315045-G-A.
Other names: p.Pro1001=; c.3003G>A (NM_139025.3); c.3003G>A, p.Pro1001= (NM_139025.5); c.2910G>A, p.Pro970= (NM_139026.6).
Identifiers: ClinVar variation 758378 (VCV000758378.17), dbSNP rs149794949, ClinGen allele CA200940099.

ClinVar aggregate classification (germline): Likely benign. Review status: criteria provided, multiple submitters, no conflicts (2 of 4 stars). 6 submissions from 6 submitters: Likely benign (5). 1 of the submissions does not count toward it. Last evaluated 2026-01-01.

Conditions:
ADAMTS13-related disorder. Also called: ADAMTS13-related condition.
Inborn genetic diseases. Identifiers: MedGen C0950123, MeSH D030342.

Allele frequency attached by ClinVar (database versions not stated): gnomAD exomes 0.00002 and 0.00009; ExAC 0.00012; 1000 Genomes Project 0.00020; TOPMed 0.00027; gnomAD 0.00030 and 0.00031; 1000 Genomes Project 30x 0.00031; ESP Exome Variant Server 0.00031.

Submissions (6):

CeGaT Center for Human Genetics Tuebingen
Classification: Likely benign. Last evaluated: 2026-01-01. Review status: criteria provided, single submitter. Criteria: CeGaT Center For Human Genetics Tuebingen Variant Classification Criteria Version 2. Collection method: clinical testing. Allele origin: germline. Affected: yes. Observed: 1 variant allele.
Comment: ADAMTS13: BP4, BP7

Labcorp Genetics (formerly Invitae), Labcorp
Classification: Likely benign. Last evaluated: 2025-09-28. Review status: criteria provided, single submitter. Criteria: Invitae Variant Classification Sherloc (09022015). Collection method: clinical testing. Allele origin: germline.

Mayo Clinic Laboratories, Mayo Clinic
Classification: Likely benign. Last evaluated: 2025-06-08. Review status: criteria provided, single submitter. Criteria: ACMG Guidelines, 2015. Collection method: clinical testing. Allele origin: germline. Observed: 2 variant alleles.
Comment: BS1, BP4, BP7

Ambry Genetics
Classification: Likely benign for Inborn genetic diseases. Last evaluated: 2024-12-22. Review status: criteria provided, single submitter. Criteria: Ambry Variant Classification Scheme 2023. Collection method: clinical testing. Allele origin: germline.

Blueprint Genetics
Classification: Likely benign. Last evaluated: 2022-06-14. Review status: criteria provided, single submitter. Criteria: ACMG Guidelines, 2015. Collection method: clinical testing. Allele origin: germline.

PreventionGenetics, part of Exact Sciences
Classification: Likely benign for ADAMTS13-related condition. Last evaluated: 2023-10-03. Review status: no assertion criteria provided. Collection method: clinical testing. Allele origin: germline. Not counted in ClinVar's aggregate classification.
Comment: This variant is classified as likely benign based on ACMG/AMP sequence variant interpretation guidelines (Richards et al. 2015 PMID: 25741868, with internal and published modifications).

Literature cited by the submitters: PubMed 31133750 (cited by Mayo Clinic Laboratories, Mayo Clinic); PubMed 35982159 (cited by Mayo Clinic Laboratories, Mayo Clinic); PubMed 35982160 (cited by Mayo Clinic Laboratories, Mayo Clinic).